The following is an entry in ClinVar:

NM_021096.4(CACNA1I):c.3507C>G (p.His1169Gln)

Gene: CACNA1I (calcium voltage-gated channel subunit alpha1 I; plus strand). Cytogenetic location: 22q13.1.
Variant type: single nucleotide variant.
Coding change: c.3507C>G on transcript NM_021096.4 (MANE Select); coding-DNA position 3507, C replaced by G.
Protein change: p.His1169Gln; replaces histidine 1169 with glutamine.
Molecular consequence: missense variant.
Genome position (GRCh38, 1-based): chr22:39,663,751, C>G. VCF-style: chr22-39663751-C-G. GRCh37 (hg19) VCF-style: chr22-40059756-C-G.
Other names: c.3402C>G, p.His1134Gln (NM_001003406.2); short protein forms H1134Q, H1169Q.
Identifiers: ClinVar variation 2580488 (VCV002580488.1), dbSNP rs1158140167, ClinGen allele CA411658825.
Genomic context (GRCh38, chr22:39,663,751, plus strand): 5'-CAGGCAGCCCCCGCCCACCCTGCCCAGGTTCCGGGTCCTGTGTCAGACCATTATTGCCCA[C>G]AAACTCTTCGACTACGTCGTCCTGGCCTTCATCTTTCTCAACTGCATCACCATCGCCCTG-3'
Protein context (NP_066919.2, residues 1159-1179): FRVLCQTIIA[His1169Gln]KLFDYVVLAF

ClinVar aggregate classification (germline): Uncertain significance (1 of 4 stars; one submission).

Submission:

GeneDx
Classification: Uncertain significance. Last evaluated: 2023-03-23. Review status: criteria provided, single submitter. Criteria: GeneDx Variant Classification Process June 2021. Collection method: clinical testing. Allele origin: germline. Affected: yes.
Comment: Has not been previously published as pathogenic or benign to our knowledge; Not observed at significant frequency in large population cohorts (gnomAD); In silico analysis supports that this missense variant has a deleterious effect on protein structure/function